The following is an entry in ClinVar:

ClinVar aggregate classification (germline): Uncertain significance. Review status: criteria provided, multiple submitters, no conflicts (2 of 4 stars). 2 submissions from 2 submitters: Uncertain significance (2). Last evaluated 2026-03-10.

Conditions:
Genitopatellar syndrome (GTPTS). Also called: ABSENT PATELLAE, SCROTAL HYPOPLASIA, RENAL ANOMALIES, FACIAL DYSMORPHISM, AND MENTAL RETARDATION; Genitopatellar syndrome (GPS). Identifiers: Orphanet 85201, MedGen C1853566, MONDO:0011640, OMIM 606170.

Allele frequency attached by ClinVar (database versions not stated): gnomAD exomes below 0.00001; gnomAD 0.00001; TOPMed 0.00001; ExAC 0.00002; ESP Exome Variant Server 0.00008.
gnomAD v4.1: 3 of 1,613,934 alleles (0.00019%); highest among the groups gnomAD compares: African/African-American, 0.0013%; no homozygotes.

Submissions (2):

Women's Health and Genetics/Laboratory Corporation of America, LabCorp
Classification: Uncertain significance. Last evaluated: 2026-03-10. Review status: criteria provided, single submitter. Criteria: LabCorp Variant Classification Summary - May 2015. Collection method: clinical testing. Allele origin: germline.
Comment: Variant summary: KAT6B c.569C>T (p.Ala190Val) results in a non-conservative amino acid change in the encoded protein sequence. Algorithms developed to predict the effect of missense changes on protein structure and function are either unavailable or do not agree on the potential impact of this missense change. The variant allele was found at a frequency of 4e-06 in 248424 control chromosomes. The available data on variant occurrences in the general population are insufficient to allow any conclusion about variant significance. To our knowledge, no occurrence of c.569C>T in individuals affected with KAT6B-related conditions and no experimental evidence demonstrating its impact on protein function have been reported. ClinVar contains an entry for this variant (Variation ID: 2721945). Based on the evidence outlined above, the variant was classified as uncertain significance.

Labcorp Genetics (formerly Invitae), Labcorp
Classification: Uncertain significance for Genitopatellar syndrome. Last evaluated: 2025-05-02. Review status: criteria provided, single submitter. Criteria: Invitae Variant Classification Sherloc (09022015). Collection method: clinical testing. Allele origin: germline.
Comment: This sequence change replaces alanine, which is neutral and non-polar, with valine, which is neutral and non-polar, at codon 190 of the KAT6B protein (p.Ala190Val). This variant is present in population databases (rs374318351, gnomAD 0.002%). This variant has not been reported in the literature in individuals affected with KAT6B-related conditions. ClinVar contains an entry for this variant (Variation ID: 2721945). An algorithm developed to predict the effect of missense changes on protein structure and function (PolyPhen-2) suggests that this variant is likely to be tolerated. In summary, the available evidence is currently insufficient to determine the role of this variant in disease. Therefore, it has been classified as a Variant of Uncertain Significance.

NM_012330.4(KAT6B):c.569C>T (p.Ala190Val)

Gene: KAT6B (lysine acetyltransferase 6B; plus strand). Cytogenetic location: 10q22.2.
Variant type: single nucleotide variant.
Coding change: c.569C>T on transcript NM_012330.4 (MANE Select); coding-DNA position 569, C replaced by T.
Protein change: p.Ala190Val; replaces alanine 190 with valine.
Molecular consequence: missense variant.
Genome position (GRCh38, 1-based): chr10:74,843,426, C>T. VCF-style: chr10-74843426-C-T. GRCh37 (hg19) VCF-style: chr10-76603184-C-T.
Other names: c.569C>T, p.Ala190Val (NM_001256468.2, NM_001256469.2, NM_001370132.1 and 10 more transcripts); c.31C>T, p.His11Tyr (NM_001370134.1, NM_001370135.1); short protein forms A190V, H11Y.
Identifiers: ClinVar variation 2721945 (VCV002721945.4), dbSNP rs374318351, ClinGen allele CA5564237.
Genomic context (GRCh38, chr10:74,843,426, plus strand): 5'-CGCAGTACAGGGTCAATTATGGGAGCTTAGATGGCAAAGGGGCACCTCAGTATCCCAGTG[C>T]ATTCCCATCCTCGCTCCCACCTGTCAGCCTTCTACCCCATGAGAAAGACCAGGTAAGCGA-3'
Protein context (NP_036462.2, residues 180-200): DGKGAPQYPS[Ala190Val]FPSSLPPVSL